The following is an entry in ClinVar:

NM_007294.4(BRCA1):c.3624del (p.Lys1208fs)

Genes: BRCA1 (BRCA1 DNA repair associated; minus strand), LOC126862571 (BRD4-independent group 4 enhancer GRCh37_chr17:41243136-41244335; plus strand). Cytogenetic location: 17q21.31.
Variant type: Deletion.
Coding change: c.3624del on transcript NM_007294.4 (MANE Select); coding-DNA position 3624, one base deleted (A; older notation c.3624delA).
Protein change: p.Lys1208fs; shifts the reading frame from lysine 1208.
Molecular consequence: frameshift variant. On other transcripts: intron variant (135).
Genome position (GRCh38, 1-based): chr17:43,091,907, T deleted on the plus strand (A on the coding strand, the reverse complement: BRCA1 is on the minus strand); the first of 3 consecutive T bases (chr17:43,091,907-43,091,909); deleting any one gives the same sequence. VCF-style (leftmost placement, unchanged base first): chr17-43091906-AT-A. GRCh37 (hg19) VCF-style: chr17-41243923-AT-A.
Other names: c.3624delA (NM_007294.3); c.3498del, p.Lys1166fs (NM_001407673.1, NM_001407685.1, NM_001407686.1 and 11 more transcripts); c.3501del, p.Lys1167fs (NM_001407674.1, NM_001407675.1, NM_001407676.1 and 19 more transcripts); c.3624del, p.Lys1208fs (NM_001407684.1, NM_001407854.1, NM_001407858.1 and 30 more transcripts); c.3483del, p.Lys1161fs (NM_001407692.1, NM_001407694.1, NM_001407695.1 and 29 more transcripts); c.3480del, p.Lys1160fs (NM_001407740.1, NM_001407741.1, NM_001407742.1 and 20 more transcripts); c.3411del, p.Lys1137fs (NM_001407853.1, NM_001407894.1, NM_001407895.1 and 9 more transcripts); c.3621del, p.Lys1207fs (NM_001407860.1, NM_001407861.1, NM_001407587.1 and 22 more transcripts); and 42 more; short protein forms K1161fs, K1208fs, K1137fs, K1160fs, K1166fs, K1182fs, K1081fs, K1097fs.
Identifiers: ClinVar variation 254437 (VCV000254437.5), dbSNP rs80357512, ClinGen allele CA10586623.

ClinVar aggregate classification (germline): Pathogenic. Review status: reviewed by expert panel (3 of 4 stars). 2 submissions from 2 submitters: Pathogenic (1). 1 of the submissions does not count toward it. Last evaluated 2016-09-08.

Conditions:
Breast-ovarian cancer, familial, susceptibility to, 1 (BROVCA1). Also called: BRCA1 Hereditary Breast and Ovarian Cancer; OVARIAN CANCER, SUSCEPTIBILITY TO. Identifiers: Orphanet 145, MedGen C2676676, MONDO:0011450, OMIM 604370. Disease mechanism: loss of function.

Submissions (2):

Evidence-based Network for the Interpretation of Germline Mutant Alleles (ENIGMA)
Classification: Pathogenic for Breast-ovarian cancer, familial, susceptibility to, 1. Last evaluated: 2016-09-08. Review status: reviewed by expert panel. Criteria: ENIGMA BRCA1/2 Classification Criteria (2015). Collection method: curation. Allele origin: germline.
Comment: Variant allele predicted to encode a truncated non-functional protein.

Consortium of Investigators of Modifiers of BRCA1/2 (CIMBA), c/o University of Cambridge
Classification: Pathogenic for Breast-ovarian cancer, familial, susceptibility to, 1. Last evaluated: 2015-10-02. Review status: criteria provided, single submitter. Criteria: CIMBA Mutation Classification guidelines May 2016. Collection method: clinical testing. Allele origin: germline. Not counted in ClinVar's aggregate classification.